The following is an entry in ClinVar:

ClinVar aggregate classification (germline): Pathogenic (1 of 4 stars; one submission).

Conditions:
LAMA2-related muscular dystrophy (LAMA2-RD). Also called: Laminin alpha 2-related dystrophy. Identifiers: MedGen C5679788, MONDO:0100228.

Submission:

Myriad Genetics, Inc.
Classification: Pathogenic for LAMA2-related muscular dystrophy. Last evaluated: 2024-04-20. Review status: criteria provided, single submitter. Criteria: Myriad Autosomal Dominant, Autosomal Recessive and X-Linked Classification Criteria (2023). Collection method: clinical testing. Allele origin: unknown.
Comment: NM_000426.3(LAMA2):c.2839A>T(R947*) is expected to be pathogenic in the context of muscular dystrophy, LAMA2-related. This variant is predicted to lead to an abnormal or absent protein product due to the creation of a premature termination codon in LAMA2, a gene where loss-of-function variants are known to be pathogenic. Please note: this variant was assessed in the context of healthy population screening.

NM_000426.4(LAMA2):c.2839A>T (p.Arg947Ter)

Gene: LAMA2 (laminin subunit alpha 2; plus strand). Cytogenetic location: 6q22.33.
Variant type: single nucleotide variant.
Coding change: c.2839A>T on transcript NM_000426.4 (MANE Select); coding-DNA position 2839, A replaced by T.
Protein change: p.Arg947Ter; replaces arginine 947 with a stop codon.
Molecular consequence: nonsense.
Genome position (GRCh38, 1-based): chr6:129,291,703, A>T. VCF-style: chr6-129291703-A-T. GRCh37 (hg19) VCF-style: chr6-129612848-A-T.
Other names: c.2839A>T, p.Arg947Ter (NM_001079823.2); short protein forms R947*.
Identifiers: ClinVar variation 5012936 (VCV005012936.1).